The following is an entry in ClinVar:

ClinVar aggregate classification (germline): Pathogenic (1 of 4 stars; one submission).

Conditions:
46,XY sex reversal 3. Also called: SEX REVERSAL, XY, WITH OR WITHOUT ADRENAL FAILURE; 46,XY SEX REVERSAL, PARTIAL OR COMPLETE, NR5A1-RELATED; 46,XY GONADAL DYSGENESIS, PARTIAL OR COMPLETE, WITH OR WITHOUT ADRENAL FAILURE; DISORDER OF SEX DEVELOPMENT, 46,XY, NR5A1-RELATED; NR5A1-related 46,XY complete gonadal dysgenesis. Identifiers: MedGen C3489793, MONDO:0013066, OMIM 612965.

Submission:

Victorian Clinical Genetics Services, Murdoch Childrens Research Institute
Classification: Pathogenic for 46,XY sex reversal 3. Last evaluated: 2021-05-06. Review status: criteria provided, single submitter. Criteria: ACMG Guidelines, 2015. Collection method: clinical testing. Allele origin: germline. Inheritance: Autosomal dominant inheritance.
Comment: Based on the classification scheme VCGS_Germline_v1.3.4, this variant is classified as Pathogenic. Following criteria are met: 0102 - Loss of function is a known mechanism of disease in this gene and is associated with adrenocortical insufficiency, (MIM#612964), 46, XX sex reversal 4, (MIM# 617480), 46XY sex reversal 3, (MIM#612965), premature ovarian failure 7, (MIM#612964) and spermatogenic failure 8, (MIM#613957). (I) 0107 - This gene is associated with autosomal dominant disease. (I) 0112 - The condition associated with this gene has incomplete penetrance. Unaffected carriers have been reported in a number of families (PMID: 31513305). (I) 0115 - Variants in this gene are known to have variable expressivity. Intra-familial variability have been reported with the same variant resulting in different phenotypes (PMID: 31513305). (I) 0201 - Variant is predicted to cause nonsense-mediated decay (NMD) and loss of protein (premature termination codon is located at least 54 nucleotides upstream of the final exon-exon junction). (SP) 0251 - This variant is heterozygous. (I) 0301 - Variant is absent from gnomAD (both v2 and v3). (SP) 0701 - Other NMD-predicted variants comparable to the one identified in this case have very strong previous evidence for pathogenicity. At least 10 other NMD-predicted variants have been reported in patients with NR5A1-related disorders (PMID: 31513305). (SP) 0807 - This variant has no previous evidence of pathogenicity. (I) 0905 - No published segregation evidence has been identified for this variant. (I) 1007 - No published functional evidence has been identified for this variant. (I) 1208 - Inheritance information for this variant is not currently available in this individual. (I) Legend: (SP) - Supporting pathogenic, (I) - Information, (SB) - Supporting benign

Literature cited by the submitters: PubMed 31513305.

NM_004959.5(NR5A1):c.164del (p.Cys55fs)

Gene: NR5A1 (nuclear receptor subfamily 5 group A member 1; minus strand). Cytogenetic location: 9q33.3.
Variant type: Deletion.
Coding change: c.164del on transcript NM_004959.5 (MANE Select); coding-DNA position 164, one base deleted (G; older notation c.164delG).
Protein change: p.Cys55fs; shifts the reading frame from cysteine 55.
Molecular consequence: frameshift variant.
Genome position (GRCh38, 1-based): chr9:124,503,159, C deleted on the plus strand (G on the coding strand, the reverse complement: NR5A1 is on the minus strand). VCF-style (leftmost placement, unchanged base first): chr9-124503158-GC-G. GRCh37 (hg19) VCF-style: chr9-127265437-GC-G.
Other names: short protein forms C55fs.
Identifiers: ClinVar variation 1805655 (VCV001805655.1), dbSNP rs2538687191, ClinGen allele CA1139771257.